The following is an entry in ClinVar:

ClinVar aggregate classification (germline): Uncertain significance (1 of 4 stars; one submission).

Conditions:
Familial hypocalciuric hypercalcemia 1. Also called: Hypercalcemia, familial benign type 1. Identifiers: Orphanet 405, Orphanet 93372, MedGen C0342637, MONDO:0007791, OMIM 145980.

Submission:

Molecular Genetics, Royal Melbourne Hospital
Classification: Uncertain significance for Familial hypocalciuric hypercalcemia 1. Last evaluated: 2022-04-22. Review status: criteria provided, single submitter. Criteria: ACMG Guidelines, 2015. Collection method: clinical testing. Allele origin: germline. Affected: yes.
Comment: This sequence change is predicted to replace arginine with leucine at codon 795 of the CASR protein, p.(Arg795Leu). The arginine residue is highly conserved (100 vertebrates, UCSC), and is located in the cytoplasmic intracellular loop 3 of the GPCR (G-Protein coupled receptor) family 3 extracellular calcium-sensing receptor-related domain. There is a large physicochemical difference between arginine and leucine. The variant is absent in a large population cohort (gnomAD v2.1). It has not been previously reported in the relevant medical literature or databases. Multiple lines of computational evidence predict a deleterious effect for the missense substitution (7/7 algorithms). Additionally, a substitution to tryptophan (p.Arg795W) at this position has been determined to be pathogenic (ClinVar ID: 8312). Based on the classification scheme RMH ACMG Guidelines v1.1.1, this variant is classified as a VARIANT of UNCERTAIN SIGNIFICANCE, with potential clinical relevance. Following criteria are met: PM2, PM5, PP3.

NM_000388.4(CASR):c.2384G>T (p.Arg795Leu)

Gene: CASR (calcium sensing receptor; plus strand). Cytogenetic location: 3q21.1.
Variant type: single nucleotide variant.
Coding change: c.2384G>T on transcript NM_000388.4 (MANE Select); coding-DNA position 2384, G replaced by T.
Protein change: p.Arg795Leu; replaces arginine 795 with leucine.
Molecular consequence: missense variant.
Genome position (GRCh38, 1-based): chr3:122,284,338, G>T. VCF-style: chr3-122284338-G-T. GRCh37 (hg19) VCF-style: chr3-122003185-G-T.
Other names: c.2414G>T, p.Arg805Leu (NM_001178065.2); short protein forms R795L, R805L.
Identifiers: ClinVar variation 1678546 (VCV001678546.2), dbSNP rs549975115, ClinGen allele CA354159680.
Genomic context (GRCh38, chr3:122,284,338, plus strand): 5'-TCCTGATCGGCTACACCTGCCTGCTGGCTGCCATCTGCTTCTTCTTTGCCTTCAAGTCCC[G>T]GAAGCTGCCGGAGAACTTCAATGAAGCCAAGTTCATCACCTTCAGCATGCTCATCTTCTT-3'
Protein context (NP_000379.3, residues 785-805): AICFFFAFKS[Arg795Leu]KLPENFNEAK